The following is an entry in ClinVar:

NM_013275.6(ANKRD11):c.1000C>T (p.Pro334Ser)

Gene: ANKRD11 (ankyrin repeat domain containing 11; minus strand). Cytogenetic location: 16q24.3.
Variant type: single nucleotide variant.
Coding change: c.1000C>T on transcript NM_013275.6 (MANE Select); coding-DNA position 1000, C replaced by T.
Protein change: p.Pro334Ser; replaces proline 334 with serine.
Molecular consequence: missense variant.
Genome position (GRCh38, 1-based): chr16:89,285,542, G>A on the plus strand (C>T on the coding strand, the complement: ANKRD11 is on the minus strand). VCF-style: chr16-89285542-G-A. GRCh37 (hg19) VCF-style: chr16-89351950-G-A.
Other names: c.1000C>T, p.Pro334Ser (NM_001256182.2, NM_001256183.2); short protein forms P334S.
Identifiers: ClinVar variation 2682610 (VCV002682610.1), dbSNP rs1432095872, ClinGen allele CA397165966.

ClinVar aggregate classification (germline): Uncertain significance (1 of 4 stars; one submission).

Allele frequency attached by ClinVar (database versions not stated): gnomAD 0.00001; TOPMed 0.00001.

Submission:

Women's Health and Genetics/Laboratory Corporation of America, LabCorp
Classification: Uncertain significance. Last evaluated: 2023-11-17. Review status: criteria provided, single submitter. Criteria: LabCorp Variant Classification Summary - May 2015. Collection method: clinical testing. Allele origin: germline.
Comment: Variant summary: ANKRD11 c.1000C>T (p.Pro334Ser) results in a non-conservative amino acid change in the encoded protein sequence. Three of five in-silico tools predict a benign effect of the variant on protein function. The variant was absent in 251446 control chromosomes (gnomAD). The available data on variant occurrences in the general population are insufficient to allow any conclusion about variant significance. To our knowledge, no occurrence of c.1000C>T in individuals affected with KBG Syndrome and no experimental evidence demonstrating its impact on protein function have been reported. No submitters have cited clinical-significance assessments for this variant to ClinVar after 2014. Based on the evidence outlined above, the variant was classified as uncertain significance.